The following is an entry in ClinVar:

ClinVar aggregate classification (germline): Uncertain significance (1 of 4 stars; one submission).

Submission:

Labcorp Genetics (formerly Invitae), Labcorp
Classification: Uncertain significance. Last evaluated: 2025-12-17. Review status: criteria provided, single submitter. Criteria: Invitae Variant Classification Sherloc (09022015). Collection method: clinical testing. Allele origin: germline.
Comment: This sequence change replaces glutamine, which is neutral and polar, with proline, which is neutral and non-polar, at codon 835 of the RNF31 protein (p.Gln835Pro). This variant is present in population databases (rs764887669, gnomAD 0.0009%). This variant has not been reported in the literature in individuals affected with RNF31-related conditions. An algorithm developed to predict the effect of missense changes on protein structure and function (PolyPhen-2) suggests that this variant is likely to be disruptive. In summary, the available evidence is currently insufficient to determine the role of this variant in disease. Therefore, it has been classified as a Variant of Uncertain Significance.

NM_017999.5(RNF31):c.2504A>C (p.Gln835Pro)

Gene: RNF31 (ring finger protein 31; plus strand). Cytogenetic location: 14q12.
Variant type: single nucleotide variant.
Coding change: c.2504A>C on transcript NM_017999.5 (MANE Select); coding-DNA position 2504, A replaced by C.
Protein change: p.Gln835Pro; replaces glutamine 835 with proline.
Molecular consequence: missense variant.
Genome position (GRCh38, 1-based): chr14:24,157,300, A>C. VCF-style: chr14-24157300-A-C. GRCh37 (hg19) VCF-style: chr14-24626509-A-C.
Other names: c.2051A>C, p.Gln684Pro (NM_001310332.2); short protein forms Q684P, Q835P.
Identifiers: ClinVar variation 4805197 (VCV004805197.1).
Genomic context (GRCh38, chr14:24,157,300, plus strand): 5'-CCAGGGGATGGGATAGAGCTCCCATGTGAAGCCTACTTTCCCTCTGGCAGTGGGAGGAGC[A>C]GCACCGAGGTCGGAGCTGTGAGGACTTCCAGAACTGGAAACGCATGAACGACCCAGAATA-3'
Protein context (NP_060469.4, residues 825-845): CVRCKRQWEE[Gln835Pro]HRGRSCEDFQ